The following is an entry in ClinVar:

NM_053025.4(MYLK):c.3526G>A (p.Ala1176Thr)

Gene: MYLK (myosin light chain kinase; minus strand). Cytogenetic location: 3q21.1.
Variant type: single nucleotide variant.
Coding change: c.3526G>A on transcript NM_053025.4 (MANE Select); coding-DNA position 3526, G replaced by A.
Protein change: p.Ala1176Thr; replaces alanine 1176 with threonine.
Molecular consequence: missense variant.
Genome position (GRCh38, 1-based): chr3:123,692,774, C>T on the plus strand (G>A on the coding strand, the complement: MYLK is on the minus strand). VCF-style: chr3-123692774-C-T. GRCh37 (hg19) VCF-style: chr3-123411621-C-T.
Other names: c.2998G>A, p.Ala1000Thr (NM_001321309.2); c.3319G>A, p.Ala1107Thr (NM_053026.4, NM_053028.4); c.3526G>A, p.Ala1176Thr (NM_053027.4); short protein forms A1176T, A1000T, A1107T.
Identifiers: ClinVar variation 520004 (VCV000520004.15), dbSNP rs758839208, ClinGen allele CA82940421.

ClinVar aggregate classification (germline): Uncertain significance. Review status: criteria provided, multiple submitters, no conflicts (2 of 4 stars). 3 submissions from 3 submitters: Uncertain significance (3). Last evaluated 2025-12-08.

Conditions:
Familial thoracic aortic aneurysm and aortic dissection (TAAD). Also called: Thoracic aortic aneurysms and dissections. Identifiers: Orphanet 91387, MedGen C4707243, MONDO:0019625.
Aortic aneurysm, familial thoracic 7 (AAT7). Also called: AORTIC DISSECTION, FAMILIAL, WITH OR WITHOUT AORTIC ANEURYSM. Identifiers: MedGen C3151077, MONDO:0013418, OMIM 613780.

Allele frequency attached by ClinVar (database versions not stated): gnomAD exomes 0.00005.
gnomAD v4.1: 77 of 1,613,960 alleles (0.0048%); highest among the groups gnomAD compares: Non-Finnish European, 0.006%; no homozygotes.

Submissions (3):

Labcorp Genetics (formerly Invitae), Labcorp
Classification: Uncertain significance for Aortic aneurysm, familial thoracic 7. Last evaluated: 2025-12-08. Review status: criteria provided, single submitter. Criteria: Invitae Variant Classification Sherloc (09022015). Collection method: clinical testing. Allele origin: germline.
Comment: This sequence change replaces alanine, which is neutral and non-polar, with threonine, which is neutral and polar, at codon 1176 of the MYLK protein (p.Ala1176Thr). This variant is not present in population databases (gnomAD no frequency). This variant has not been reported in the literature in individuals affected with MYLK-related conditions. ClinVar contains an entry for this variant (Variation ID: 520004). Invitae Evidence Modeling of protein sequence and biophysical properties (such as structural, functional, and spatial information, amino acid conservation, physicochemical variation, residue mobility, and thermodynamic stability) has been performed for this missense variant. However, the output from this modeling did not meet the statistical confidence thresholds required to predict the impact of this variant on MYLK protein function. In summary, the available evidence is currently insufficient to determine the role of this variant in disease. Therefore, it has been classified as a Variant of Uncertain Significance.

GeneDx
Classification: Uncertain significance. Last evaluated: 2019-04-15. Review status: criteria provided, single submitter. Criteria: GeneDx Variant Classification Process June 2021. Collection method: clinical testing. Allele origin: germline. Affected: yes.
Comment: Has not been previously published as pathogenic or benign to our knowledge; Not observed in large population cohorts (Lek et al., 2016); Reported in ClinVar as a variant of uncertain significance (ClinVar Variant ID# 520004; Landrum et al., 2016); In silico analysis, which includes protein predictors and evolutionary conservation, supports that this variant does not alter protein structure/function

Ambry Genetics
Classification: Uncertain significance for Familial thoracic aortic aneurysm and aortic dissection. Last evaluated: 2017-03-06. Review status: criteria provided, single submitter. Criteria: Ambry Variant Classification Scheme 2023. Collection method: clinical testing. Allele origin: germline.
Comment: The p.A1176T variant (also known as c.3526G>A), located in coding exon 16 of the MYLK gene, results from a G to A substitution at nucleotide position 3526. The alanine at codon 1176 is replaced by threonine, an amino acid with similar properties. This amino acid position is well conserved in available vertebrate species. In addition, this alteration is predicted to be tolerated by in silico analysis. Since supporting evidence is limited at this time, the clinical significance of this alteration remains unclear.